The following is an entry in ClinVar:

NM_007272.3(CTRC):c.437del (p.Asp146fs)

Gene: CTRC (chymotrypsin C; plus strand). Cytogenetic location: 1p36.21.
Variant type: Deletion.
Coding change: c.437del on transcript NM_007272.3 (MANE Select); coding-DNA position 437, one base deleted (A; older notation c.437delA).
Protein change: p.Asp146fs; shifts the reading frame from aspartic acid 146.
Molecular consequence: frameshift variant.
Genome position (GRCh38, 1-based): chr1:15,443,499, A deleted. VCF-style (leftmost placement, unchanged base first): chr1-15443498-GA-G. GRCh37 (hg19) VCF-style: chr1-15769993-GA-G.
Other names: short protein forms D146fs.
Identifiers: ClinVar variation 2765301 (VCV002765301.3), dbSNP rs2526297272, ClinGen allele CA2697552210.

ClinVar aggregate classification (germline): Uncertain significance (1 of 4 stars; one submission).

Conditions:
Hereditary pancreatitis (PCTT). Also called: Hereditary chronic pancreatitis; PRSS1-Related Hereditary Pancreatitis. Identifiers: Orphanet 676, MedGen C0238339, MONDO:0008185, OMIM 167800.

Submission:

Labcorp Genetics (formerly Invitae), Labcorp
Classification: Uncertain significance for Hereditary pancreatitis. Last evaluated: 2023-06-04. Review status: criteria provided, single submitter. Criteria: Invitae Variant Classification Sherloc (09022015). Collection method: clinical testing. Allele origin: germline.
Comment: In summary, the available evidence is currently insufficient to determine the role of this variant in disease. Therefore, it has been classified as a Variant of Uncertain Significance. This sequence change creates a premature translational stop signal (p.Asp146Alafs*51) in the CTRC gene. It is expected to result in an absent or disrupted protein product. However, the current clinical and genetic evidence is not sufficient to establish whether loss-of-function variants in CTRC cause disease. This variant is not present in population databases (gnomAD no frequency). This variant has not been reported in the literature in individuals affected with CTRC-related conditions.